The following is an entry in ClinVar:

ClinVar aggregate classification (germline): Uncertain significance (1 of 4 stars; one submission).

Conditions:
Epidermodysplasia verruciformis. Identifiers: Orphanet 302, MedGen C0014522, MONDO:0009176.

Allele frequency attached by ClinVar (database versions not stated): gnomAD exomes below 0.00001; TOPMed 0.00001.
gnomAD v4.1: 5 of 1,600,606 alleles (0.00031%); highest among the groups gnomAD compares: Middle Eastern, 0.034%; no homozygotes.

Submission:

Labcorp Genetics (formerly Invitae), Labcorp
Classification: Uncertain significance for Epidermodysplasia verruciformis. Last evaluated: 2019-10-19. Review status: criteria provided, single submitter. Criteria: Invitae Variant Classification Sherloc (09022015). Collection method: clinical testing. Allele origin: germline.
Comment: This sequence change replaces glycine with serine at codon 194 of the TMC6 protein (p.Gly194Ser). The glycine residue is weakly conserved and there is a small physicochemical difference between glycine and serine. This variant is not present in population databases (ExAC no frequency). This variant has not been reported in the literature in individuals with TMC6-related conditions. Algorithms developed to predict the effect of missense changes on protein structure and function (SIFT, PolyPhen-2, Align-GVGD) all suggest that this variant is likely to be tolerated, but these predictions have not been confirmed by published functional studies and their clinical significance is uncertain. In summary, the available evidence is currently insufficient to determine the role of this variant in disease. Therefore, it has been classified as a Variant of Uncertain Significance.

NM_001127198.5(TMC6):c.580G>A (p.Gly194Ser)

Genes: TMC6 (transmembrane channel like 6; minus strand), LOC130061786 (ATAC-STARR-seq lymphoblastoid silent region 9039; plus strand). Cytogenetic location: 17q25.3.
Variant type: single nucleotide variant.
Coding change: c.580G>A on transcript NM_001127198.5 (MANE Select); coding-DNA position 580, G replaced by A.
Protein change: p.Gly194Ser; replaces glycine 194 with serine.
Molecular consequence: missense variant.
Genome position (GRCh38, 1-based): chr17:78,124,942, C>T on the plus strand (G>A on the coding strand, the complement: TMC6 is on the minus strand). VCF-style: chr17-78124942-C-T. GRCh37 (hg19) VCF-style: chr17-76121023-C-T.
Other names: c.580G>A, p.Gly194Ser (NM_001321185.1, NM_001374593.1, NM_001374594.1 and 4 more transcripts); short protein forms G194S.
Identifiers: ClinVar variation 964330 (VCV000964330.1), dbSNP rs2074624165, ClinGen allele CA401233614.